The following is an entry in ClinVar:

ClinVar aggregate classification (germline): Likely benign (0 of 4 stars; one submission).

Conditions:
KCNH7-related disorder. Also called: KCNH7-related condition.

Allele frequency attached by ClinVar (database versions not stated): gnomAD exomes 0.00017; ExAC 0.00064; gnomAD 0.00171; 1000 Genomes Project 0.00180; ESP Exome Variant Server 0.00192; 1000 Genomes Project 30x 0.00265.
gnomAD v4.1: 514 of 1,612,700 alleles (0.032%); highest among the groups gnomAD compares: African/African-American, 0.62%; 2 homozygotes.

Submission:

PreventionGenetics, part of Exact Sciences
Classification: Likely benign for KCNH7-related condition. Last evaluated: 2019-10-28. Review status: no assertion criteria provided. Collection method: clinical testing. Allele origin: germline.
Comment: This variant is classified as likely benign based on ACMG/AMP sequence variant interpretation guidelines (Richards et al. 2015 PMID: 25741868, with internal and published modifications).

NM_033272.4(KCNH7):c.2913G>C (p.Val971=)

Gene: KCNH7 (potassium voltage-gated channel subfamily H member 7; minus strand). Cytogenetic location: 2q24.2.
Variant type: single nucleotide variant.
Coding change: c.2913G>C on transcript NM_033272.4 (MANE Select); coding-DNA position 2913, G replaced by C.
Protein change: p.Val971=; no amino-acid change (valine 971 retained).
Molecular consequence: synonymous variant.
Genome position (GRCh38, 1-based): chr2:162,384,737, C>G on the plus strand (G>C on the coding strand, the complement: KCNH7 is on the minus strand). VCF-style: chr2-162384737-C-G. GRCh37 (hg19) VCF-style: chr2-163241247-C-G.
Identifiers: ClinVar variation 3040690 (VCV003040690.2), dbSNP rs141527251, ClinGen allele CA1935401.